The following is an entry in ClinVar:

ClinVar aggregate classification (germline): Conflicting classifications of pathogenicity. Review status: criteria provided, conflicting classifications (1 of 4 stars). 2 submissions from 2 submitters: Uncertain significance (1); Likely benign (1). Last evaluated 2025-12-24.

Allele frequency attached by ClinVar (database versions not stated): gnomAD exomes 0.00003; TOPMed 0.00003; ExAC 0.00004; gnomAD 0.00007; 1000 Genomes Project 30x 0.00016.
gnomAD v4.1: 47 of 1,613,614 alleles (0.0029%); highest among the groups gnomAD compares: South Asian, 0.016%; no homozygotes.

Submissions (2):

Labcorp Genetics (formerly Invitae), Labcorp
Classification: Uncertain significance. Last evaluated: 2025-12-24. Review status: criteria provided, single submitter. Criteria: Invitae Variant Classification Sherloc (09022015). Collection method: clinical testing. Allele origin: germline.
Comment: This sequence change replaces threonine, which is neutral and polar, with methionine, which is neutral and non-polar, at codon 426 of the MYLK3 protein (p.Thr426Met). This variant is present in population databases (rs767498123, gnomAD 0.02%). This variant has not been reported in the literature in individuals affected with MYLK3-related conditions. ClinVar contains an entry for this variant (Variation ID: 2358651). An algorithm developed to predict the effect of missense changes on protein structure and function outputs the following: PolyPhen-2: "Benign". The methionine amino acid residue is found in multiple mammalian species, which suggests that this missense change does not adversely affect protein function. In summary, the available evidence is currently insufficient to determine the role of this variant in disease. Therefore, it has been classified as a Variant of Uncertain Significance.

Ambry Genetics
Classification: Likely benign. Last evaluated: 2022-08-17. Review status: criteria provided, single submitter. Criteria: Ambry Variant Classification Scheme 2023. Collection method: clinical testing. Allele origin: germline.

NM_182493.3(MYLK3):c.1277C>T (p.Thr426Met)

Gene: MYLK3 (myosin light chain kinase 3; minus strand). Cytogenetic location: 16q11.2.
Variant type: single nucleotide variant.
Coding change: c.1277C>T on transcript NM_182493.3 (MANE Select); coding-DNA position 1277, C replaced by T.
Protein change: p.Thr426Met; replaces threonine 426 with methionine.
Molecular consequence: missense variant.
Genome position (GRCh38, 1-based): chr16:46,732,393, G>A on the plus strand (C>T on the coding strand, the complement: MYLK3 is on the minus strand). VCF-style: chr16-46732393-G-A. GRCh37 (hg19) VCF-style: chr16-46766305-G-A.
Other names: c.254C>T, p.Thr85Met (NM_001308301.1); short protein forms T85M, T426M.
Identifiers: ClinVar variation 2358651 (VCV002358651.4), dbSNP rs767498123, ClinGen allele CA8038032.